The following is an entry in ClinVar:

ClinVar aggregate classification (germline): Benign (1 of 4 stars; one submission).

Submission:

Laboratory for Molecular Medicine, Mass General Brigham Personalized Medicine
Classification: Benign. Last evaluated: 2012-02-02. Review status: criteria provided, single submitter. Criteria: LMM Criteria. Collection method: clinical testing. Allele origin: germline. Observed: 16 variant alleles.
Comment: 1438G>A in MTRNR1: This variant has been identified at a high frequency (>1%) in the general population and has been identified in at least ten individuals with normal hearing (Conrad 2008, Tawata 1998). Also, the nucleotide at this positio n is not well conserved.

Literature cited by the submitters: PubMed 9519725; PubMed 18830133.

NC_012920.1(MT-RNR1):m.1438=

Gene: MT-RNR1 (mitochondrially encoded 12S RNA; plus strand).
Variant type: single nucleotide variant.
Genome position: chrM-1438-A-A.
Identifiers: ClinVar variation 177708 (VCV000177708.4), dbSNP rs2001030.